The following is an entry in ClinVar:

NM_001083614.2(EARS2):c.263_264delinsAA (p.Ala88Glu)

Gene: EARS2 (glutamyl-tRNA synthetase 2, mitochondrial; minus strand). Cytogenetic location: 16p12.2.
Variant type: Indel.
Coding change: c.263_264delinsAA on transcript NM_001083614.2 (MANE Select); coding-DNA positions 263 to 264, CG replaced by AA.
Protein change: p.Ala88Glu; replaces alanine 88 with glutamic acid.
Molecular consequence: missense variant. On other transcripts: non-coding transcript variant (1).
Genome position (GRCh38, 1-based): chr16:23,552,180-23,552,181, CG replaced by TT on the plus strand (CG replaced by AA on the coding strand, the reverse complement: EARS2 is on the minus strand). VCF-style: chr16-23552180-CG-TT. GRCh37 (hg19) VCF-style: chr16-23563501-CG-TT.
Other names: c.263_264delinsAA, p.Ala88Glu (NM_001308211.1); short protein forms A88E.
Identifiers: ClinVar variation 559205 (VCV000559205.38), dbSNP rs1555504721, ClinGen allele CA658824405.

ClinVar aggregate classification (germline): Uncertain significance. Review status: criteria provided, multiple submitters, no conflicts (2 of 4 stars). 5 submissions from 5 submitters: Uncertain significance (4). 1 of the submissions does not count toward it. Last evaluated 2025-06-05.

Submissions (5):

GeneDx
Classification: Uncertain significance. Last evaluated: 2025-06-05. Review status: criteria provided, single submitter. Criteria: GeneDx Variant Classification Process June 2021. Collection method: clinical testing. Allele origin: germline. Affected: yes.
Comment: In silico analysis supports a deleterious effect on protein structure/function; Has not been previously published as pathogenic or benign to our knowledge

Labcorp Genetics (formerly Invitae), Labcorp
Classification: Uncertain significance. Last evaluated: 2022-10-13. Review status: criteria provided, single submitter. Criteria: Invitae Variant Classification Sherloc (09022015). Collection method: clinical testing. Allele origin: germline.
Comment: This sequence change replaces alanine, which is neutral and non-polar, with glutamic acid, which is acidic and polar, at codon 88 of the EARS2 protein (p.Ala88Glu). This variant is present in population databases (no rsID available, gnomAD 11%), and has an allele count higher than expected for a pathogenic variant. This variant has not been reported in the literature in individuals affected with EARS2-related conditions. ClinVar contains an entry for this variant (Variation ID: 559205). Algorithms developed to predict the effect of missense changes on protein structure and function are either unavailable or do not agree on the potential impact of this missense change (SIFT: "Not Available"; PolyPhen-2: "Benign"; Align-GVGD: "Not Available"). In summary, the available evidence is currently insufficient to determine the role of this variant in disease. Therefore, it has been classified as a Variant of Uncertain Significance.

CeGaT Center for Human Genetics Tuebingen
Classification: Uncertain significance. Last evaluated: 2022-08-01. Review status: criteria provided, single submitter. Criteria: CeGaT Center For Human Genetics Tuebingen Variant Classification Criteria Version 2. Collection method: clinical testing. Allele origin: germline. Affected: yes. Observed: 1 variant allele.

Eurofins Ntd Llc (ga)
Classification: Uncertain significance. Last evaluated: 2018-03-15. Review status: criteria provided, single submitter. Criteria: EGL ClinVar v180209 classification definitions. Collection method: clinical testing. Allele origin: germline. Observed: 1 variant allele, 1 heterozygote.

Mayo Clinic Laboratories, Mayo Clinic
Classification: Benign. Last evaluated: 2016-03-11. Review status: no assertion criteria provided. Collection method: clinical testing. Allele origin: unknown. Not counted in ClinVar's aggregate classification.